The following is an entry in ClinVar:

NM_003126.4(SPTA1):c.4453C>T (p.Leu1485Phe)

Gene: SPTA1 (spectrin alpha, erythrocytic 1; minus strand). Cytogenetic location: 1q23.1.
Variant type: single nucleotide variant.
Coding change: c.4453C>T on transcript NM_003126.4 (MANE Select); coding-DNA position 4453, C replaced by T.
Protein change: p.Leu1485Phe; replaces leucine 1485 with phenylalanine.
Molecular consequence: missense variant.
Genome position (GRCh38, 1-based): chr1:158,642,966, G>A on the plus strand (C>T on the coding strand, the complement: SPTA1 is on the minus strand). VCF-style: chr1-158642966-G-A. GRCh37 (hg19) VCF-style: chr1-158612756-G-A.
Other names: short protein forms L1485F.
Identifiers: ClinVar variation 258938 (VCV000258938.31), dbSNP rs34973695, ClinGen allele CA1182681.

ClinVar aggregate classification (germline): Conflicting classifications of pathogenicity. Review status: criteria provided, conflicting classifications (1 of 4 stars). 8 submissions from 6 submitters: Uncertain significance (3); Benign (4); Likely benign (1). Last evaluated 2026-01-29.

Conditions:
Hereditary spherocytosis type 3. Also called: Spherocytosis type 3; SPTA1-Related Spherocytosis. Identifiers: Orphanet 822, MedGen C2678338, MONDO:0010053, OMIM 270970.
Elliptocytosis 2 (EL2). Also called: ELLIPTOCYTOSIS, RHESUS-UNLINKED TYPE. Identifiers: Orphanet 288, MedGen C1851741, MONDO:0007533, OMIM 130600.
Pyropoikilocytosis, hereditary. Also called: Pyropoikilocytosis. Identifiers: MedGen C0520739, MONDO:0009948, OMIM 266140, HP:0004839. Disease mechanism: loss of function.

Allele frequency attached by ClinVar (database versions not stated): 1000 Genomes Project 0.01358; 1000 Genomes Project 30x 0.01437; gnomAD 0.01729 and 0.01772; TOPMed 0.01734; ESP Exome Variant Server 0.01824; ExAC 0.01953; gnomAD exomes 0.01983 and 0.02401.
gnomAD v4.1: 37,640 of 1,613,524 alleles (2.3%); highest among the groups gnomAD compares: South Asian, 2.8%; 524 homozygotes.

Submissions (8):

Labcorp Genetics (formerly Invitae), Labcorp
Classification: Benign. Last evaluated: 2026-01-29. Review status: criteria provided, single submitter. Criteria: Invitae Variant Classification Sherloc (09022015). Collection method: clinical testing. Allele origin: germline.

Mayo Clinic Laboratories, Mayo Clinic
Classification: Uncertain significance. Last evaluated: 2025-11-04. Review status: criteria provided, single submitter. Criteria: ACMG Guidelines, 2015. Collection method: clinical testing. Allele origin: germline. Observed: 95 variant alleles.
Comment: BS1, BS2

ARUP Laboratories, Molecular Genetics and Genomics, ARUP Laboratories
Classification: Benign. Last evaluated: 2025-07-24. Review status: criteria provided, single submitter. Criteria: ARUP Molecular Germline Variant Investigation Process 2024. Collection method: clinical testing. Allele origin: germline.

Blueprint Genetics
Classification: Likely benign. Last evaluated: 2024-11-26. Review status: criteria provided, single submitter. Criteria: ACMG Guidelines, 2015. Collection method: clinical testing. Allele origin: germline.

Illumina Laboratory Services, Illumina
Classification: Uncertain significance for Pyropoikilocytosis, hereditary. Last evaluated: 2018-01-13. Review status: criteria provided, single submitter. Criteria: ICSL Variant Classification Criteria 13 December 2019. Collection method: clinical testing. Allele origin: germline.

Illumina Laboratory Services, Illumina
Classification: Uncertain significance for Hereditary spherocytosis type 3. Last evaluated: 2018-01-13. Review status: criteria provided, single submitter. Criteria: ICSL Variant Classification Criteria 13 December 2019. Collection method: clinical testing. Allele origin: germline.

Illumina Laboratory Services, Illumina
Classification: Benign for Elliptocytosis 2. Last evaluated: 2018-01-13. Review status: criteria provided, single submitter. Criteria: ICSL Variant Classification Criteria 13 December 2019. Collection method: clinical testing. Allele origin: germline.
Comment: This variant was observed in the ICSL laboratory as part of a predisposition screen in an ostensibly healthy population. It had not been previously curated by ICSL or reported in the Human Gene Mutation Database (HGMD: prior to June 1st, 2018), and was therefore a candidate for classification through an automated scoring system. Utilizing variant allele frequency, disease prevalence and penetrance estimates, and inheritance mode, an automated score was calculated to assess if this variant is too frequent to cause the disease. Based on the score and internal cut-off values, a variant classified as benign is not then subjected to further curation. The score for this variant resulted in a classification of benign for this disease.

PreventionGenetics, part of Exact Sciences
Classification: Benign. Review status: criteria provided, single submitter. Criteria: ACMG Guidelines, 2015. Collection method: clinical testing. Allele origin: germline.

Literature cited by the submitters: PubMed 1541680 (cited by Mayo Clinic Laboratories, Mayo Clinic).